The following is an entry in ClinVar:

NM_005430.4(WNT1):c.529G>T (p.Gly177Cys)

Gene: WNT1 (Wnt family member 1; plus strand). Cytogenetic location: 12q13.12.
Variant type: single nucleotide variant.
Coding change: c.529G>T on transcript NM_005430.4 (MANE Select); coding-DNA position 529, G replaced by T.
Protein change: p.Gly177Cys; replaces glycine 177 with cysteine.
Molecular consequence: missense variant.
Genome position (GRCh38, 1-based): chr12:48,980,594, G>T. VCF-style: chr12-48980594-G-T. GRCh37 (hg19) VCF-style: chr12-49374377-G-T.
Other names: short protein forms G177C.
Identifiers: ClinVar variation 2735849 (VCV002735849.3), dbSNP rs2498947644, ClinGen allele CA384631970.

ClinVar aggregate classification (germline): Likely pathogenic (1 of 4 stars; one submission).

Submission:

Labcorp Genetics (formerly Invitae), Labcorp
Classification: Likely pathogenic. Last evaluated: 2023-11-22. Review status: criteria provided, single submitter. Criteria: Invitae Variant Classification Sherloc (09022015). Collection method: clinical testing. Allele origin: germline.
Comment: This sequence change replaces glycine, which is neutral and non-polar, with cysteine, which is neutral and slightly polar, at codon 177 of the WNT1 protein (p.Gly177Cys). This variant is not present in population databases (gnomAD no frequency). This missense change has been observed in individual(s) with autosomal recessive osteogenesis imperfecta (PMID: 23499309). Advanced modeling of protein sequence and biophysical properties (such as structural, functional, and spatial information, amino acid conservation, physicochemical variation, residue mobility, and thermodynamic stability) performed at Invitae indicates that this missense variant is expected to disrupt WNT1 protein function with a positive predictive value of 80%. Experimental studies have shown that this missense change affects WNT1 function (PMID: 23499309). In summary, the currently available evidence indicates that the variant is pathogenic, but additional data are needed to prove that conclusively. Therefore, this variant has been classified as Likely Pathogenic.

Literature cited by the submitters: PubMed 23499309.